The following is an entry in ClinVar:

NM_000394.4(CRYAA):c.292G>A (p.Gly98Arg)

Gene: CRYAA (crystallin alpha A; plus strand). Cytogenetic location: 21q22.3.
Variant type: single nucleotide variant.
Coding change: c.292G>A on transcript NM_000394.4 (MANE Select); coding-DNA position 292, G replaced by A.
Protein change: p.Gly98Arg; replaces glycine 98 with arginine.
Molecular consequence: missense variant.
Genome position (GRCh38, 1-based): chr21:43,170,619, G>A. VCF-style: chr21-43170619-G-A. GRCh37 (hg19) VCF-style: chr21-44590729-G-A.
Other names: c.181G>A, p.Gly61Arg (NM_001363766.1); short protein forms G98R, G61R.
Identifiers: ClinVar variation 68456 (VCV000068456.6), dbSNP rs398122947, ClinGen allele CA214994.
Genomic context (GRCh38, chr21:43,170,619, plus strand): 5'-AAGCACTTCTCCCCGGAGGACCTCACCGTGAAGGTGCAGGACGACTTTGTGGAGATCCAC[G>A]GAAAGCACAACGAGCGCCAGGTGAGCCCAGGCACTGAGAGGTGGGAGAGGGGGGCGAGTT-3'
Protein context (NP_000385.1, residues 88-108): KVQDDFVEIH[Gly98Arg]KHNERQDDHG

ClinVar aggregate classification (germline): Pathogenic. Review status: criteria provided, multiple submitters, no conflicts (2 of 4 stars). 3 submissions from 3 submitters: Pathogenic (2). 1 of the submissions does not count toward it. Last evaluated 2025-04-22.

Conditions:
Cataract 9 multiple types. Also called: Cataract, autosomal recessive congenital 1; Cataract 9, multiple types, with or without microcornea. Identifiers: Orphanet 1377, MedGen C1858679, MONDO:0011413, OMIM 604219.

Submissions (3):

Labcorp Genetics (formerly Invitae), Labcorp
Classification: Pathogenic for Cataract 9 multiple types. Last evaluated: 2025-04-22. Review status: criteria provided, single submitter. Criteria: Invitae Variant Classification Sherloc (09022015). Collection method: clinical testing. Allele origin: germline.
Comment: This sequence change replaces glycine, which is neutral and non-polar, with arginine, which is basic and polar, at codon 98 of the CRYAA protein (p.Gly98Arg). This variant is not present in population databases (gnomAD no frequency). This missense change has been observed in individuals with congenital cataracts (PMID: 16862070, 21866213; internal data). It has also been observed to segregate with disease in related individuals. ClinVar contains an entry for this variant (Variation ID: 68456). An algorithm developed to predict the effect of missense changes on protein structure and function (PolyPhen-2) suggests that this variant is likely to be disruptive. Experimental studies have shown that this missense change affects CRYAA function (PMID: 17900621, 19862354, 20029648, 21224997). For these reasons, this variant has been classified as Pathogenic.

Revvity Omics, Revvity
Classification: Pathogenic for Cataract 9 multiple types. Last evaluated: 2021-08-13. Review status: criteria provided, single submitter. Criteria: ACMG Guidelines, 2015. Collection method: clinical testing. Allele origin: germline.

OMIM
Classification: Pathogenic for CATARACT 9, TOTAL. Last evaluated: 2006-07-12. Review status: no assertion criteria provided. Collection method: literature only. Allele origin: germline. Not counted in ClinVar's aggregate classification.

Literature cited by the submitters: PubMed 16862070 (cited by Labcorp Genetics (formerly Invitae), Labcorp and OMIM); PubMed 21866213 (cited by Labcorp Genetics (formerly Invitae), Labcorp); PubMed 17900621 (cited by Labcorp Genetics (formerly Invitae), Labcorp); PubMed 19862354 (cited by Labcorp Genetics (formerly Invitae), Labcorp); PubMed 20029648 (cited by Labcorp Genetics (formerly Invitae), Labcorp); PubMed 21224997 (cited by Labcorp Genetics (formerly Invitae), Labcorp).